The following is an entry in ClinVar:

NM_006727.5(CDH10):c.1416C>T (p.Arg472=)

Gene: CDH10 (cadherin 10; minus strand). Cytogenetic location: 5p14.2.
Variant type: single nucleotide variant.
Coding change: c.1416C>T on transcript NM_006727.5 (MANE Select); coding-DNA position 1416, C replaced by T.
Protein change: p.Arg472=; no amino-acid change (arginine 472 retained).
Molecular consequence: synonymous variant. On other transcripts: 5 prime UTR variant (1).
Genome position (GRCh38, 1-based): chr5:24,498,497, G>A on the plus strand (C>T on the coding strand, the complement: CDH10 is on the minus strand). VCF-style: chr5-24498497-G-A. GRCh37 (hg19) VCF-style: chr5-24498606-G-A.
Other names: c.-367C>T (NM_001317222.2); c.1416C>T, p.Arg472= (NM_001317224.2, NM_001362460.1).
Identifiers: ClinVar variation 2655376 (VCV002655376.24), dbSNP rs139927244, ClinGen allele CA3215488.
Genomic context (GRCh38, chr5:24,498,497, plus strand): 5'-GAACACAGCAAACTGTGGGGCATTGTCATTAACATCCAAAATTCTCACAAAAACAGCCAC[G>A]CGTGTTGTCTCTTTGGGATTGTCTGGAAAAGGGGAAGAAAAATATTGTTTAGGAAGATAA-3'
Protein context (NP_006718.2, residues 462-482): AEINNPKETT[Arg472=]VAVFVRILDV

ClinVar aggregate classification (germline): Likely benign (1 of 4 stars; one submission).

Allele frequency attached by ClinVar (database versions not stated): gnomAD 0.00010; gnomAD exomes 0.00011; TOPMed 0.00013; ESP Exome Variant Server 0.00015; ExAC 0.00021.
gnomAD v4.1: 189 of 1,598,588 alleles (0.012%); highest among the groups gnomAD compares: Non-Finnish European, 0.0032%; no homozygotes.

Submission:

CeGaT Center for Human Genetics Tuebingen
Classification: Likely benign. Last evaluated: 2022-12-01. Review status: criteria provided, single submitter. Criteria: CeGaT Center For Human Genetics Tuebingen Variant Classification Criteria Version 2. Collection method: clinical testing. Allele origin: germline. Affected: yes. Observed: 1 variant allele.
Comment: CDH10: BP4, BP7